The following is an entry in ClinVar:

NM_015570.4(AUTS2):c.930G>C (p.Gln310His)

Gene: AUTS2 (activator of transcription and developmental regulator AUTS2; plus strand). Cytogenetic location: 7q11.22.
Variant type: single nucleotide variant.
Coding change: c.930G>C on transcript NM_015570.4 (MANE Select); coding-DNA position 930, G replaced by C.
Protein change: p.Gln310His; replaces glutamine 310 with histidine.
Molecular consequence: missense variant.
Genome position (GRCh38, 1-based): chr7:70,763,057, G>C. VCF-style: chr7-70763057-G-C. GRCh37 (hg19) VCF-style: chr7-70228043-G-C.
Other names: c.930G>C (NM_015570.3); c.930G>C, p.Gln310His (NM_001127231.3); short protein forms Q310H.
Identifiers: ClinVar variation 1998694 (VCV001998694.6), dbSNP rs1789668398, ClinGen allele CA367667497.
Genomic context (GRCh38, chr7:70,763,057, plus strand): 5'-TGAGCCTGTGGTGCTTAAAGACCCCTGCCCTCAGGTCGCACAGCCAATACCCCAGCCGCA[G>C]ACGGAGCCCCAACTCCGAGCTCCTTCTCCGGACCCTGACTTGGTGCAGCGCACAGAGGCC-3'
Protein context (NP_056385.1, residues 300-320): PQVAQPIPQP[Gln310His]TEPQLRAPSP

ClinVar aggregate classification (germline): Uncertain significance. Review status: criteria provided, multiple submitters, no conflicts (2 of 4 stars). 2 submissions from 2 submitters: Uncertain significance (2). Last evaluated 2025-06-04.

Conditions:
AUTS2-related disorder. Also called: AUTS2-related condition.

Allele frequency attached by ClinVar (database versions not stated): TOPMed below 0.00001.
gnomAD v4.1: 1 of 1,614,138 alleles (0.000062%); highest among the groups gnomAD compares: African/African-American, 0.0013%; no homozygotes.

Submissions (2):

Labcorp Genetics (formerly Invitae), Labcorp
Classification: Uncertain significance. Last evaluated: 2025-06-04. Review status: criteria provided, single submitter. Criteria: Invitae Variant Classification Sherloc (09022015). Collection method: clinical testing. Allele origin: germline.
Comment: This sequence change replaces glutamine, which is neutral and polar, with histidine, which is basic and polar, at codon 310 of the AUTS2 protein (p.Gln310His). This variant is not present in population databases (gnomAD no frequency). This variant has not been reported in the literature in individuals affected with AUTS2-related conditions. ClinVar contains an entry for this variant (Variation ID: 1998694). An algorithm developed to predict the effect of missense changes on protein structure and function (PolyPhen-2) suggests that this variant is likely to be tolerated. In summary, the available evidence is currently insufficient to determine the role of this variant in disease. Therefore, it has been classified as a Variant of Uncertain Significance.

PreventionGenetics, part of Exact Sciences
Classification: Uncertain significance for AUTS2-related condition. Last evaluated: 2025-03-18. Review status: criteria provided, single submitter. Criteria: ACMG Guidelines, 2015. Collection method: clinical testing. Allele origin: germline.
Comment: The AUTS2 c.930G>C variant is predicted to result in the amino acid substitution p.Gln310His. To our knowledge, this variant has not been reported in the literature or in a large population database (gnomAD), indicating this variant is rare. At this time, the clinical significance of this variant is uncertain due to the absence of conclusive functional and genetic evidence.